The following is an entry in ClinVar:

ClinVar aggregate classification (germline): Uncertain significance (1 of 4 stars; one submission).

Conditions:
Methylcobalamin deficiency type cblE (HMAE). Also called: HOMOCYSTINURIA-MEGALOBLASTIC ANEMIA, cblE COMPLEMENTATION TYPE; VITAMIN B12-RESPONSIVE HOMOCYSTINURIA, cblE TYPE; HOMOCYSTINURIA-MEGALOBLASTIC ANEMIA, cblE TYPE. Identifiers: Orphanet 2169, Orphanet 622, MedGen C1856057, MONDO:0009354, OMIM 236270.

Allele frequency attached by ClinVar (database versions not stated): gnomAD 0.00006; gnomAD exomes 0.00007; ESP Exome Variant Server 0.00008; ExAC 0.00019.
gnomAD v4.1: 109 of 1,614,054 alleles (0.0068%); highest among the groups gnomAD compares: South Asian, 0.11%; 3 homozygotes.

Submission:

Labcorp Genetics (formerly Invitae), Labcorp
Classification: Uncertain significance for Methylcobalamin deficiency type cblE. Last evaluated: 2022-07-19. Review status: criteria provided, single submitter. Criteria: Invitae Variant Classification Sherloc (09022015). Collection method: clinical testing. Allele origin: germline.
Comment: This sequence change replaces glycine, which is neutral and non-polar, with arginine, which is basic and polar, at codon 616 of the MTRR protein (p.Gly616Arg). This variant is present in population databases (rs371312103, gnomAD 0.1%). This variant has not been reported in the literature in individuals affected with MTRR-related conditions. Algorithms developed to predict the effect of missense changes on protein structure and function output the following: SIFT: "Tolerated"; PolyPhen-2: "Benign"; Align-GVGD: "Class C0". The arginine amino acid residue is found in multiple mammalian species, which suggests that this missense change does not adversely affect protein function. In summary, the available evidence is currently insufficient to determine the role of this variant in disease. Therefore, it has been classified as a Variant of Uncertain Significance.

NM_002454.3(MTRR):c.1846G>A (p.Gly616Arg)

Gene: MTRR (5-methyltetrahydrofolate-homocysteine methyltransferase reductase; plus strand). Cytogenetic location: 5p15.31.
Variant type: single nucleotide variant.
Coding change: c.1846G>A on transcript NM_002454.3 (MANE Select); coding-DNA position 1846, G replaced by A.
Protein change: p.Gly616Arg; replaces glycine 616 with arginine.
Molecular consequence: missense variant. On other transcripts: non-coding transcript variant (14).
Genome position (GRCh38, 1-based): chr5:7,897,141, G>A. VCF-style: chr5-7897141-G-A. GRCh37 (hg19) VCF-style: chr5-7897254-G-A.
Other names: c.1846G>A, p.Gly616Arg (NM_001364440.2, NM_001364441.2, NM_001364442.2 and 1 more transcripts); short protein forms G616R.
Identifiers: ClinVar variation 2143788 (VCV002143788.1), dbSNP rs371312103, ClinGen allele CA3196087.